The following is an entry in ClinVar:

NM_152383.5(DIS3L2):c.1133_1134del (p.Cys378fs)

Gene: DIS3L2 (DIS3 like 3'-5' exoribonuclease 2; plus strand). Cytogenetic location: 2q37.1.
Variant type: Deletion.
Coding change: c.1133_1134del on transcript NM_152383.5 (MANE Select); coding-DNA positions 1133 to 1134, 2 bases deleted (GT; older notation c.1133_1134delGT).
Protein change: p.Cys378fs; shifts the reading frame from cysteine 378.
Molecular consequence: frameshift variant. On other transcripts: non-coding transcript variant (2).
Genome position (GRCh38, 1-based): chr2:232,210,334-232,210,335, GT deleted; deleting any 2 consecutive bases within chr2:232,210,333-232,210,335 gives the same sequence; the c. name uses the placement nearest the transcript's 3' end. VCF-style (leftmost placement, unchanged base first): chr2-232210332-CTG-C. GRCh37 (hg19) VCF-style: chr2-233075042-CTG-C.
Other names: c.1133_1134del, p.Cys378fs (NM_001257281.2); short protein forms C378fs.
Identifiers: ClinVar variation 2153204 (VCV002153204.4), dbSNP rs2469982239, ClinGen allele CA2580066013.

ClinVar aggregate classification (germline): Pathogenic (1 of 4 stars; one submission).

Conditions:
Perlman syndrome (PRLMNS). Identifiers: Orphanet 2849, MedGen C0796113, MONDO:0009965, OMIM 267000.

Submission:

Labcorp Genetics (formerly Invitae), Labcorp
Classification: Pathogenic for Perlman syndrome. Last evaluated: 2024-01-15. Review status: criteria provided, single submitter. Criteria: Invitae Variant Classification Sherloc (09022015). Collection method: clinical testing. Allele origin: germline.
Comment: This sequence change creates a premature translational stop signal (p.Cys378Tyrfs*5) in the DIS3L2 gene. It is expected to result in an absent or disrupted protein product. Loss-of-function variants in DIS3L2 are known to be pathogenic (PMID: 22306653, 28328139). This variant is not present in population databases (gnomAD no frequency). This variant has not been reported in the literature in individuals affected with DIS3L2-related conditions. ClinVar contains an entry for this variant (Variation ID: 2153204). For these reasons, this variant has been classified as Pathogenic.

Literature cited by the submitters: PubMed 22306653; PubMed 28328139.